The following is an entry in ClinVar:

NM_015311.3(OBSL1):c.4702G>A (p.Val1568Met)

Gene: OBSL1 (obscurin like cytoskeletal adaptor 1; minus strand). Cytogenetic location: 2q35.
Variant type: single nucleotide variant.
Coding change: c.4702G>A on transcript NM_015311.3 (MANE Select); coding-DNA position 4702, G replaced by A.
Protein change: p.Val1568Met; replaces valine 1568 with methionine.
Molecular consequence: missense variant.
Genome position (GRCh38, 1-based): chr2:219,554,648, C>T on the plus strand (G>A on the coding strand, the complement: OBSL1 is on the minus strand). VCF-style: chr2-219554648-C-T. GRCh37 (hg19) VCF-style: chr2-220419370-C-T.
Other names: short protein forms V1568M.
Identifiers: ClinVar variation 1955167 (VCV001955167.4), dbSNP rs1399247890, ClinGen allele CA350723801.
Genomic context (GRCh38, chr2:219,554,648, plus strand): 5'-GGATGTGACACTTGGGTCCTGGATACAGCTGTACTCCACCCCGGGCCCACTCCCCGGTCA[C>T]ACCTTCCTGGGACAGCTCCAGCTGGAAGGTGGCACTGCCCCCCTCACTGATGGTCACGTC-3'
Protein context (NP_056126.1, residues 1558-1578): TFQLELSQEG[Val1568Met]TGEWARGGVQ

ClinVar aggregate classification (germline): Uncertain significance (1 of 4 stars; one submission).

Allele frequency attached by ClinVar (database versions not stated): gnomAD 0.00001; gnomAD exomes 0.00001.
gnomAD v4.1: 8 of 1,609,334 alleles (0.0005%); highest among the groups gnomAD compares: African/African-American, 0.0027%; no homozygotes.

Submission:

Labcorp Genetics (formerly Invitae), Labcorp
Classification: Uncertain significance. Last evaluated: 2022-04-25. Review status: criteria provided, single submitter. Criteria: Invitae Variant Classification Sherloc (09022015). Collection method: clinical testing. Allele origin: germline.
Comment: In summary, the available evidence is currently insufficient to determine the role of this variant in disease. Therefore, it has been classified as a Variant of Uncertain Significance. Algorithms developed to predict the effect of sequence changes on RNA splicing suggest that this variant may create or strengthen a splice site. Algorithms developed to predict the effect of missense changes on protein structure and function are either unavailable or do not agree on the potential impact of this missense change (SIFT: "Deleterious"; PolyPhen-2: "Benign"; Align-GVGD: "Class C0"). This variant has not been reported in the literature in individuals affected with OBSL1-related conditions. The frequency data for this variant in the population databases is considered unreliable, as metrics indicate poor data quality at this position in the gnomAD database. This sequence change replaces valine, which is neutral and non-polar, with methionine, which is neutral and non-polar, at codon 1568 of the OBSL1 protein (p.Val1568Met).